The following is an entry in ClinVar:

NC_000017.11:g.(?_43070922)_(43076620_?)del

Gene: BRCA1 (BRCA1 DNA repair associated; minus strand). Cytogenetic location: 17q21.31.
Variant type: Deletion.
Identifiers: ClinVar variation 462188 (VCV000462188.1).

ClinVar aggregate classification (germline): Pathogenic (1 of 4 stars; one submission).

Conditions:
Hereditary breast ovarian cancer syndrome. Also called: Hereditary breast and ovarian cancer syndrome (HBOC); Hereditary breast and ovarian cancer syndrome; Breast and ovarian cancer; Hereditary breast and/or ovarian cancer syndrome; Hereditary breast and ovarian cancer; BRCA1- and BRCA2-Associated Hereditary Breast and Ovarian Cancer. Identifiers: Orphanet 145, MedGen C0677776, MeSH D061325, MONDO:0003582. Disease mechanism: loss of function.

Submission:

Labcorp Genetics (formerly Invitae), Labcorp
Classification: Pathogenic for Hereditary breast ovarian cancer syndrome. Last evaluated: 2017-03-10. Review status: criteria provided, single submitter. Criteria: Invitae Variant Classification Sherloc (09022015). Collection method: clinical testing. Allele origin: germline.
Comment: This variant is a gross deletion of the genomic region encompassing exons 13-14 and the first 293 nucleotides of exon 15 of the BRCA1 gene, including the intron 14-exon 15 boundary (c.4358-2323_4968del). This creates a premature translational stop signal and is expected to result in an absent or disrupted protein product. While this particular deletion has not been reported in the literature, loss-of-function variants including gross deletions in BRCA1 are known to be pathogenic (PMID: 20104584). For these reasons, this variant has been classified as Pathogenic.